The following is an entry in ClinVar:

NM_000051.4(ATM):c.4775A>C (p.Glu1592Ala)

Gene: ATM (ATM serine/threonine kinase; plus strand). Cytogenetic location: 11q22.3.
Variant type: single nucleotide variant.
Coding change: c.4775A>C on transcript NM_000051.4 (MANE Select); coding-DNA position 4775, A replaced by C.
Protein change: p.Glu1592Ala; replaces glutamic acid 1592 with alanine.
Molecular consequence: missense variant.
Genome position (GRCh38, 1-based): chr11:108,293,476, A>C. VCF-style: chr11-108293476-A-C. GRCh37 (hg19) VCF-style: chr11-108164203-A-C.
Other names: c.4775A>C, p.Glu1592Ala (NM_001351834.2); short protein forms E1592A.
Identifiers: ClinVar variation 948873 (VCV000948873.9), dbSNP rs1565463405, ClinGen allele CA382535213.
Genomic context (GRCh38, chr11:108,293,476, plus strand): 5'-AGGATTTGCGTATTACTCAGCAAAAAATCAAATACAGTAGAGGACCCTTTTCACTCTTGG[A>C]GGTAATAAAAATTTCATCATCTACTATTTTTTATTAGAGAACATAGTAGTACTTTTCAAA-3'
Protein context (NP_000042.3, residues 1582-1602): KYSRGPFSLL[Glu1592Ala]EINHFLSVSV

ClinVar aggregate classification (germline): Uncertain significance (1 of 4 stars; one submission).

Conditions:
Ataxia-telangiectasia syndrome (AT). Also called: Ataxia-telangiectasia, complementation group E; Ataxia telangiectasia (A-T); LOUIS-BAR SYNDROME; ATAXIA-TELANGIECTASIA, FRESNO VARIANT; AT, COMPLEMENTATION GROUP C; Ataxia-telangiectasia. Identifiers: Orphanet 100, MedGen C0004135, MONDO:0008840, OMIM 208900.

Submission:

Labcorp Genetics (formerly Invitae), Labcorp
Classification: Uncertain significance for Ataxia-telangiectasia syndrome. Last evaluated: 2019-06-13. Review status: criteria provided, single submitter. Criteria: Invitae Variant Classification Sherloc (09022015). Collection method: clinical testing. Allele origin: germline.
Comment: In summary, the available evidence is currently insufficient to determine the role of this variant in disease. Therefore, it has been classified as a Variant of Uncertain Significance. Algorithms developed to predict the effect of sequence changes on RNA splicing suggest that this variant may disrupt the consensus splice site, but this prediction has not been confirmed by published transcriptional studies. Algorithms developed to predict the effect of missense changes on protein structure and function (SIFT, PolyPhen-2, Align-GVGD) all suggest that this variant is likely to be tolerated, but these predictions have not been confirmed by published functional studies and their clinical significance is uncertain. This variant has not been reported in the literature in individuals with ATM-related disease. This variant is not present in population databases (ExAC no frequency). This sequence change replaces glutamic acid with alanine at codon 1592 of the ATM protein (p.Glu1592Ala). The glutamic acid residue is moderately conserved and there is a moderate physicochemical difference between glutamic acid and alanine.